The following is an entry in ClinVar:

ClinVar aggregate classification (germline): Likely benign (0 of 4 stars; one submission).

Conditions:
GIGYF1-related disorder. Also called: GIGYF1-related condition.

Allele frequency attached by ClinVar (database versions not stated): 1000 Genomes Project 30x 0.00016; 1000 Genomes Project 0.00020; ESP Exome Variant Server 0.00023; ExAC 0.00142.

Submission:

PreventionGenetics, part of Exact Sciences
Classification: Likely benign for GIGYF1-related condition. Last evaluated: 2019-03-08. Review status: no assertion criteria provided. Collection method: clinical testing. Allele origin: germline.
Comment: This variant is classified as likely benign based on ACMG/AMP sequence variant interpretation guidelines (Richards et al. 2015 PMID: 25741868, with internal and published modifications).

NM_001375765.1(GIGYF1):c.51C>T (p.Ser17=)

Gene: GIGYF1 (GRB10 interacting GYF protein 1; minus strand). Cytogenetic location: 7q22.1.
Variant type: single nucleotide variant.
Coding change: c.51C>T on transcript NM_001375765.1 (MANE Select); coding-DNA position 51, C replaced by T.
Protein change: p.Ser17=; no amino-acid change (serine 17 retained).
Molecular consequence: synonymous variant. On other transcripts: non-coding transcript variant (1).
Genome position (GRCh38, 1-based): chr7:100,688,095, G>A on the plus strand (C>T on the coding strand, the complement: GIGYF1 is on the minus strand). VCF-style: chr7-100688095-G-A. GRCh37 (hg19) VCF-style: chr7-100285718-G-A.
Other names: NM_022574.4:c.51C>T; c.51C>T, p.Ser17= (NM_001375759.1, NM_001375760.1, NM_001375761.1 and 6 more transcripts).
Identifiers: ClinVar variation 3058402 (VCV003058402.2), dbSNP rs140818923, ClinGen allele CA4389230.